The following is an entry in ClinVar:

ClinVar aggregate classification (germline): Benign/Likely benign. Review status: criteria provided, multiple submitters, no conflicts (2 of 4 stars). 4 submissions from 4 submitters: Benign (2); Likely benign (2). Last evaluated 2026-06-01.

Conditions:
SASS6-related disorder. Also called: SASS6-related condition.

Allele frequency attached by ClinVar (database versions not stated): gnomAD exomes 0.00037 and 0.00145; gnomAD 0.00067 and 0.00078; TOPMed 0.00098; ExAC 0.00129; 1000 Genomes Project 30x 0.00281; 1000 Genomes Project 0.00319.
gnomAD v4.1: 845 of 1,613,266 alleles (0.052%); highest among the groups gnomAD compares: East Asian, 1.3%; 11 homozygotes.

Submissions (4):

CeGaT Center for Human Genetics Tuebingen
Classification: Likely benign. Last evaluated: 2026-06-01. Review status: criteria provided, single submitter. Criteria: CeGaT Center For Human Genetics Tuebingen Variant Classification Criteria Version 2. Collection method: clinical testing. Allele origin: germline. Affected: yes. Observed: 1 variant allele.
Comment: SASS6: BP4, BP7, BS1

PreventionGenetics, part of Exact Sciences
Classification: Likely benign for SASS6-related condition. Last evaluated: 2026-02-02. Review status: criteria provided, single submitter. Criteria: ACMG Guidelines, 2015. Collection method: clinical testing. Allele origin: germline.
Comment: This variant is classified as likely benign based on ACMG/AMP sequence variant interpretation guidelines (Richards et al. 2015 PMID: 25741868, with internal and published modifications).

Labcorp Genetics (formerly Invitae), Labcorp
Classification: Benign. Last evaluated: 2019-12-31. Review status: criteria provided, single submitter. Criteria: Invitae Variant Classification Sherloc (09022015). Collection method: clinical testing. Allele origin: germline.

Breakthrough Genomics
Classification: Benign. Review status: criteria provided, single submitter. Criteria: ACMG Guidelines, 2015. Collection method: not provided. Allele origin: germline. Inheritance: Autosomal recessive inheritance. Affected: yes.

NM_194292.3(SASS6):c.1935G>A (p.Ala645=)

Gene: SASS6 (SAS-6 centriolar assembly protein; minus strand). Cytogenetic location: 1p21.2.
Variant type: single nucleotide variant.
Coding change: c.1935G>A on transcript NM_194292.3 (MANE Select); coding-DNA position 1935, G replaced by A.
Protein change: p.Ala645=; no amino-acid change (alanine 645 retained).
Molecular consequence: synonymous variant.
Genome position (GRCh38, 1-based): chr1:100,085,367, C>T on the plus strand (G>A on the coding strand, the complement: SASS6 is on the minus strand). VCF-style: chr1-100085367-C-T. GRCh37 (hg19) VCF-style: chr1-100550923-C-T.
Other names: c.1434G>A, p.Ala478= (NM_001304829.2).
Identifiers: ClinVar variation 720743 (VCV000720743.8), dbSNP rs144990398, ClinGen allele CA968080.